The following is an entry in ClinVar:

ClinVar aggregate classification (germline): Uncertain significance (1 of 4 stars; one submission).

Conditions:
Familial encephalopathy with neuroserpin inclusion bodies. Also called: ENCEPHALOPATHY, FAMILIAL, WITH COLLINS BODIES. Identifiers: Orphanet 85110, MedGen C1858680, MONDO:0011412, OMIM 604218.

gnomAD v4.1: 15 of 1,614,174 alleles (0.00093%); highest among the groups gnomAD compares: Non-Finnish European, 0.0013%; no homozygotes.

Submission:

Labcorp Genetics (formerly Invitae), Labcorp
Classification: Uncertain significance for Familial encephalopathy with neuroserpin inclusion bodies. Last evaluated: 2024-11-16. Review status: criteria provided, single submitter. Criteria: Invitae Variant Classification Sherloc (09022015). Collection method: clinical testing. Allele origin: germline.
Comment: This sequence change replaces aspartic acid, which is acidic and polar, with valine, which is neutral and non-polar, at codon 43 of the SERPINI1 protein (p.Asp43Val). This variant is not present in population databases (gnomAD no frequency). This variant has not been reported in the literature in individuals affected with SERPINI1-related conditions. Invitae Evidence Modeling of protein sequence and biophysical properties (such as structural, functional, and spatial information, amino acid conservation, physicochemical variation, residue mobility, and thermodynamic stability) indicates that this missense variant is not expected to disrupt SERPINI1 protein function with a negative predictive value of 80%. In summary, the available evidence is currently insufficient to determine the role of this variant in disease. Therefore, it has been classified as a Variant of Uncertain Significance.

NM_001122752.2(SERPINI1):c.128A>T (p.Asp43Val)

Gene: SERPINI1 (serpin family I member 1; plus strand). Cytogenetic location: 3q26.1.
Variant type: single nucleotide variant.
Coding change: c.128A>T on transcript NM_001122752.2 (MANE Select); coding-DNA position 128, A replaced by T.
Protein change: p.Asp43Val; replaces aspartic acid 43 with valine.
Molecular consequence: missense variant.
Genome position (GRCh38, 1-based): chr3:167,789,256, A>T. VCF-style: chr3-167789256-A-T. GRCh37 (hg19) VCF-style: chr3-167507044-A-T.
Other names: c.128A>T, p.Asp43Val (NM_005025.5); short protein forms D43V.
Identifiers: ClinVar variation 3616599 (VCV003616599.2).
Genomic context (GRCh38, chr3:167,789,256, plus strand): 5'-AGGAAGCCATTGCTGACTTGTCAGTGAATATGTATAATCGTCTTAGAGCCACTGGTGAAG[A>T]TGAAAATATTCTCTTCTCTCCATTGAGTATTGCTCTTGCAATGGGAATGATGGAACTTGG-3'
Protein context (NP_001116224.1, residues 33-53): MYNRLRATGE[Asp43Val]ENILFSPLSI